The following is an entry in ClinVar:

ClinVar aggregate classification (germline): Uncertain significance (1 of 4 stars; one submission).

Conditions:
Emery-Dreifuss muscular dystrophy 5, autosomal dominant (EDMD5). Also called: EMERY-DREIFUSS MUSCULAR DYSTROPHY 5. Identifiers: Orphanet 261, MedGen C2751805, MONDO:0013072, OMIM 612999.

Allele frequency attached by ClinVar (database versions not stated): gnomAD 0.00001; gnomAD exomes 0.00001 and 0.00002; ExAC 0.00002; TOPMed 0.00003; ESP Exome Variant Server 0.00015.
gnomAD v4.1: 11 of 1,614,058 alleles (0.00068%); highest among the groups gnomAD compares: Non-Finnish European, 0.00093%; no homozygotes.

Submission:

Labcorp Genetics (formerly Invitae), Labcorp
Classification: Uncertain significance for Emery-Dreifuss muscular dystrophy 5, autosomal dominant. Last evaluated: 2021-08-03. Review status: criteria provided, single submitter. Criteria: Invitae Variant Classification Sherloc (09022015). Collection method: clinical testing. Allele origin: germline.
Comment: This sequence change replaces lysine with glutamic acid at codon 3691 of the SYNE2 protein (p.Lys3691Glu). The lysine residue is weakly conserved and there is a small physicochemical difference between lysine and glutamic acid. This variant is present in population databases (rs147104686, ExAC 0.005%). This variant has not been reported in the literature in individuals affected with SYNE2-related conditions. Algorithms developed to predict the effect of missense changes on protein structure and function are either unavailable or do not agree on the potential impact of this missense change (SIFT: "Tolerated"; PolyPhen-2: "Probably Damaging"; Align-GVGD: "Class C0"). In summary, the available evidence is currently insufficient to determine the role of this variant in disease. Therefore, it has been classified as a Variant of Uncertain Significance.

NM_182914.3(SYNE2):c.11071A>G (p.Lys3691Glu)

Gene: SYNE2 (spectrin repeat containing nuclear envelope protein 2; plus strand). Cytogenetic location: 14q23.2.
Variant type: single nucleotide variant.
Coding change: c.11071A>G on transcript NM_182914.3 (MANE Select); coding-DNA position 11071, A replaced by G.
Protein change: p.Lys3691Glu; replaces lysine 3691 with glutamic acid.
Molecular consequence: missense variant.
Genome position (GRCh38, 1-based): chr14:64,078,514, A>G. VCF-style: chr14-64078514-A-G. GRCh37 (hg19) VCF-style: chr14-64545232-A-G.
Other names: c.11071A>G, p.Lys3691Glu (NM_015180.6); short protein forms K3691E.
Identifiers: ClinVar variation 1410278 (VCV001410278.6), dbSNP rs147104686, ClinGen allele CA7221693.